The following is an entry in ClinVar:

ClinVar aggregate classification (germline): Uncertain significance. Review status: criteria provided, multiple submitters, no conflicts (2 of 4 stars). 4 submissions from 4 submitters: Uncertain significance (3). 1 of the submissions does not count toward it. Last evaluated 2025-10-27.

Conditions:
IMPG1-related disorder. Also called: IMPG1-related condition.
Macular dystrophy. Identifiers: MedGen C0730292, HP:0007754.

Allele frequency attached by ClinVar (database versions not stated): ExAC 0.00008; TOPMed 0.00010; 1000 Genomes Project 30x 0.00016; 1000 Genomes Project 0.00020; ESP Exome Variant Server 0.00031.
gnomAD v4.1: 302 of 1,612,738 alleles (0.019%); highest among the groups gnomAD compares: Non-Finnish European, 0.025%; no homozygotes.

Submissions (4):

Labcorp Genetics (formerly Invitae), Labcorp
Classification: Uncertain significance. Last evaluated: 2025-10-27. Review status: criteria provided, single submitter. Criteria: Invitae Variant Classification Sherloc (09022015). Collection method: clinical testing. Allele origin: germline.
Comment: This sequence change replaces alanine, which is neutral and non-polar, with aspartic acid, which is acidic and polar, at codon 386 of the IMPG1 protein (p.Ala386Asp). This variant is present in population databases (rs144437882, gnomAD 0.01%). This missense change has been observed in individual(s) with clinical features of inherited retinal disease and/or macular dystrophy (PMID: 28041643, 32581362, 38219857). ClinVar contains an entry for this variant (Variation ID: 438085). An algorithm developed to predict the effect of missense changes on protein structure and function outputs the following: PolyPhen-2: "Benign". The aspartic acid amino acid residue is found in multiple mammalian species, which suggests that this missense change does not adversely affect protein function. In summary, the available evidence is currently insufficient to determine the role of this variant in disease. Therefore, it has been classified as a Variant of Uncertain Significance.

PreventionGenetics, part of Exact Sciences
Classification: Uncertain significance for IMPG1-related condition. Last evaluated: 2025-05-13. Review status: criteria provided, single submitter. Criteria: ACMG Guidelines, 2015. Collection method: clinical testing. Allele origin: germline.
Comment: The IMPG1 c.1157C>A variant is predicted to result in the amino acid substitution p.Ala386Asp. This variant has been reported in the heterozygous state in two individuals with inherited retinal disease (Supplementary table 2, Turro et al. 2020. PubMed ID: 32581362; Table S1, Lin et al. 2024. PubMed ID: 38219857). This variant is reported in 0.016% of alleles in individuals of European (Non-Finnish) descent in gnomAD. Although we suspect that this variant may be pathogenic, at this time, the clinical significance of this variant is uncertain due to the absence of conclusive functional and genetic evidence.

Blueprint Genetics
Classification: Uncertain significance. Last evaluated: 2024-10-29. Review status: criteria provided, single submitter. Criteria: ACMG Guidelines, 2015. Collection method: clinical testing. Allele origin: germline.

NIHR Bioresource Rare Diseases, University of Cambridge
Classification: Likely pathogenic for Macular dystrophy. Last evaluated: 2015-01-01. Review status: no assertion criteria provided. Collection method: research. Allele origin: unknown. Affected: yes. Observed: 1 variant allele. Not counted in ClinVar's aggregate classification.

Literature cited by the submitters: PubMed 28041643 (cited by Labcorp Genetics (formerly Invitae), Labcorp and NIHR Bioresource Rare Diseases, University of Cambridge); PubMed 32581362 (cited by Labcorp Genetics (formerly Invitae), Labcorp); PubMed 38219857 (cited by Labcorp Genetics (formerly Invitae), Labcorp).

NM_001563.4(IMPG1):c.1157C>A (p.Ala386Asp)

Gene: IMPG1 (interphotoreceptor matrix proteoglycan 1; minus strand). Cytogenetic location: 6q14.1.
Variant type: single nucleotide variant.
Coding change: c.1157C>A on transcript NM_001563.4 (MANE Select); coding-DNA position 1157, C replaced by A.
Protein change: p.Ala386Asp; replaces alanine 386 with aspartic acid.
Molecular consequence: missense variant.
Genome position (GRCh38, 1-based): chr6:76,003,929, G>T on the plus strand (C>A on the coding strand, the complement: IMPG1 is on the minus strand). VCF-style: chr6-76003929-G-T. GRCh37 (hg19) VCF-style: chr6-76713646-G-T.
Other names: c.923C>A, p.Ala308Asp (NM_001282368.2); short protein forms A386D, A308D.
Identifiers: ClinVar variation 438085 (VCV000438085.12), dbSNP rs144437882, ClinGen allele CA3898212.